The following is an entry in ClinVar:

NM_001042492.3(NF1):c.5365G>C (p.Glu1789Gln)

Gene: NF1 (neurofibromin 1; plus strand). Cytogenetic location: 17q11.2.
Variant type: single nucleotide variant.
Coding change: c.5365G>C on transcript NM_001042492.3 (MANE Select); coding-DNA position 5365, G replaced by C.
Protein change: p.Glu1789Gln; replaces glutamic acid 1789 with glutamine.
Molecular consequence: missense variant.
Genome position (GRCh38, 1-based): chr17:31,327,595, G>C. VCF-style: chr17-31327595-G-C. GRCh37 (hg19) VCF-style: chr17-29654613-G-C.
Other names: c.5302G>C, p.Glu1768Gln (NM_000267.4); short protein forms E1789Q, E1768Q.
Identifiers: ClinVar variation 481952 (VCV000481952.14), dbSNP rs1555533571, ClinGen allele CA399009272.

ClinVar aggregate classification (germline): Uncertain significance. Review status: criteria provided, multiple submitters, no conflicts (2 of 4 stars). 3 submissions from 3 submitters: Uncertain significance (3). Last evaluated 2024-09-03.

Conditions:
Cardiovascular phenotype. Identifiers: MedGen CN230736.
Hereditary cancer-predisposing syndrome. Also called: Hereditary neoplastic syndrome; Neoplastic Syndromes, Hereditary; Tumor predisposition; Hereditary Cancer Syndrome. Identifiers: Orphanet 140162, MedGen C0027672, MeSH D009386, MONDO:0015356.
Neurofibromatosis, type 1 (NF1). Also called: VON RECKLINGHAUSEN DISEASE; Peripheral type neurofibromatosis; NEUROFIBROMATOSIS, TYPE I, SOMATIC; Neurofibromatosis, type I. Identifiers: Orphanet 636, MedGen C0027831, MONDO:0018975, OMIM 162200. Disease mechanism: loss of function.

Submissions (3):

Ambry Genetics
Classification: Uncertain significance for Cardiovascular phenotype; Hereditary cancer-predisposing syndrome. Last evaluated: 2024-09-03. Review status: criteria provided, single submitter. Criteria: Ambry Variant Classification Scheme 2023. Collection method: clinical testing. Allele origin: germline.
Comment: The p.E1768Q variant (also known as c.5302G>C), located in coding exon 37 of the NF1 gene, results from a G to C substitution at nucleotide position 5302. The glutamic acid at codon 1768 is replaced by glutamine, an amino acid with highly similar properties. This amino acid position is highly conserved in available vertebrate species. In addition, the in silico prediction for this alteration is inconclusive. Since supporting evidence is limited at this time, the clinical significance of this alteration remains unclear.

Genome-Nilou Lab
Classification: Uncertain significance for Neurofibromatosis, type 1. Last evaluated: 2022-03-15. Review status: criteria provided, single submitter. Criteria: ACMG Guidelines, 2015. Collection method: clinical testing. Allele origin: germline. Affected: no.

Labcorp Genetics (formerly Invitae), Labcorp
Classification: Uncertain significance for Neurofibromatosis, type 1. Last evaluated: 2022-02-11. Review status: criteria provided, single submitter. Criteria: Invitae Variant Classification Sherloc (09022015). Collection method: clinical testing. Allele origin: germline.
Comment: In summary, the available evidence is currently insufficient to determine the role of this variant in disease. Therefore, it has been classified as a Variant of Uncertain Significance. Advanced modeling of protein sequence and biophysical properties (such as structural, functional, and spatial information, amino acid conservation, physicochemical variation, residue mobility, and thermodynamic stability) performed at Invitae indicates that this missense variant is expected to disrupt NF1 protein function. ClinVar contains an entry for this variant (Variation ID: 481952). This variant has not been reported in the literature in individuals affected with NF1-related conditions. This variant is not present in population databases (gnomAD no frequency). This sequence change replaces glutamic acid, which is acidic and polar, with glutamine, which is neutral and polar, at codon 1768 of the NF1 protein (p.Glu1768Gln).